The following is an entry in ClinVar:

ClinVar aggregate classification (germline): Uncertain significance (1 of 4 stars; one submission).

Submission:

GeneDx
Classification: Uncertain significance. Last evaluated: 2023-05-23. Review status: criteria provided, single submitter. Criteria: GeneDx Variant Classification Process June 2021. Collection method: clinical testing. Allele origin: germline. Affected: yes.
Comment: Not observed at significant frequency in large population cohorts (gnomAD); In silico analysis supports that this missense variant has a deleterious effect on protein structure/function; Has not been previously published as pathogenic or benign to our knowledge

NM_001303256.3(MORC2):c.1510A>G (p.Lys504Glu)

Gene: MORC2 (MORC family CW-type zinc finger 2; minus strand). Cytogenetic location: 22q12.2.
Variant type: single nucleotide variant.
Coding change: c.1510A>G on transcript NM_001303256.3 (MANE Select); coding-DNA position 1510, A replaced by G.
Protein change: p.Lys504Glu; replaces lysine 504 with glutamic acid.
Molecular consequence: missense variant.
Genome position (GRCh38, 1-based): chr22:30,937,026, T>C on the plus strand (A>G on the coding strand, the complement: MORC2 is on the minus strand). VCF-style: chr22-30937026-T-C. GRCh37 (hg19) VCF-style: chr22-31333013-T-C.
Other names: c.1510A>G, p.Lys504Glu (NM_001303257.2); c.1324A>G, p.Lys442Glu (NM_014941.3); short protein forms K442E, K504E.
Identifiers: ClinVar variation 3343747 (VCV003343747.1).
Genomic context (GRCh38, chr22:30,937,026, plus strand): 5'-CCCAGGTGTCAGGGTAATCTTTTTCCACAGAACTCAGCTGGAAGGGGAGGGTTCTCCATT[T>C]CAGACACAAATCTGCAGAGAGCAAAAAAACCCCACATATCAGCCACGCCCACCAACTCTA-3'
Protein context (NP_001290185.1, residues 494-514): PTTIQCDLCL[Lys504Glu]WRTLPFQLSS